The following is an entry in ClinVar:

NM_005732.4(RAD50):c.57C>A (p.Asp19Glu)

Gene: RAD50 (RAD50 double strand break repair protein; plus strand). Cytogenetic location: 5q31.1.
Variant type: single nucleotide variant.
Coding change: c.57C>A on transcript NM_005732.4 (MANE Select); coding-DNA position 57, C replaced by A.
Protein change: p.Asp19Glu; replaces aspartic acid 19 with glutamic acid.
Molecular consequence: missense variant.
Genome position (GRCh38, 1-based): chr5:132,557,381, C>A. VCF-style: chr5-132557381-C-A. GRCh37 (hg19) VCF-style: chr5-131893073-C-A.
Other names: short protein forms D19E.
Identifiers: ClinVar variation 4842936 (VCV004842936.1).
Genomic context (GRCh38, chr5:132,557,381, plus strand): 5'-AAACATGTCCCGGATCGAAAAGATGAGCATTCTGGGCGTGCGGAGTTTTGGAATAGAGGA[C>A]AAAGATAAGCAAATTATCACTTTCTTCAGCCCCCTTACAATTTTGGTTGGACCCAATGGG-3'
Protein context (NP_005723.2, residues 9-29): ILGVRSFGIE[Asp19Glu]KDKQIITFFS

ClinVar aggregate classification (germline): Uncertain significance (1 of 4 stars; one submission).

Conditions:
Hereditary cancer-predisposing syndrome. Also called: Neoplastic Syndromes, Hereditary; Tumor predisposition; Hereditary Cancer Syndrome; Hereditary neoplastic syndrome. Identifiers: Orphanet 140162, MedGen C0027672, MeSH D009386, MONDO:0015356.

Submission:

Ambry Genetics
Classification: Uncertain significance for Hereditary cancer-predisposing syndrome. Last evaluated: 2025-12-22. Review status: criteria provided, single submitter. Criteria: Ambry Variant Classification Scheme 2023. Collection method: clinical testing. Allele origin: germline.
Comment: The p.D19E variant (also known as c.57C>A), located in coding exon 1 of the RAD50 gene, results from a C to A substitution at nucleotide position 57. The aspartic acid at codon 19 is replaced by glutamic acid, an amino acid with highly similar properties. This amino acid position is conserved. In addition, this alteration is predicted to be tolerated by in silico analysis. Based on the available evidence, the clinical significance of this variant remains unclear.